The following is an entry in ClinVar:

NM_030665.4(RAI1):c.216G>A (p.Ala72=)

Gene: RAI1 (retinoic acid induced 1; plus strand). Cytogenetic location: 17p11.2.
Variant type: single nucleotide variant.
Coding change: c.216G>A on transcript NM_030665.4 (MANE Select); coding-DNA position 216, G replaced by A.
Protein change: p.Ala72=; no amino-acid change (alanine 72 retained).
Molecular consequence: synonymous variant.
Genome position (GRCh38, 1-based): chr17:17,793,164, G>A. VCF-style: chr17-17793164-G-A. GRCh37 (hg19) VCF-style: chr17-17696478-G-A.
Identifiers: ClinVar variation 1204556 (VCV001204556.13), dbSNP rs759958067, ClinGen allele CA8418076.

ClinVar aggregate classification (germline): Likely benign. Review status: criteria provided, multiple submitters, no conflicts (2 of 4 stars). 4 submissions from 4 submitters: Likely benign (4). Last evaluated 2026-05-21.

Conditions:
RAI1-related disorder. Also called: RAI1-related condition.

Allele frequency attached by ClinVar (database versions not stated): gnomAD 0.00001; gnomAD exomes 0.00001 and 0.00002; TOPMed 0.00001; ExAC 0.00002.
gnomAD v4.1: 19 of 1,613,026 alleles (0.0012%); highest among the groups gnomAD compares: Admixed American, 0.0017%; no homozygotes.

Submissions (4):

Women's Health and Genetics/Laboratory Corporation of America, LabCorp
Classification: Likely benign. Last evaluated: 2026-05-21. Review status: criteria provided, single submitter. Criteria: LabCorp Variant Classification Summary - May 2015. Collection method: clinical testing. Allele origin: germline.

Labcorp Genetics (formerly Invitae), Labcorp
Classification: Likely benign. Last evaluated: 2025-12-11. Review status: criteria provided, single submitter. Criteria: Invitae Variant Classification Sherloc (09022015). Collection method: clinical testing. Allele origin: germline.

PreventionGenetics, part of Exact Sciences
Classification: Likely benign for RAI1-related condition. Last evaluated: 2025-04-26. Review status: criteria provided, single submitter. Criteria: ACMG Guidelines, 2015. Collection method: clinical testing. Allele origin: germline.
Comment: This variant is classified as likely benign based on ACMG/AMP sequence variant interpretation guidelines (Richards et al. 2015 PMID: 25741868, with internal and published modifications).

GeneDx
Classification: Likely benign. Last evaluated: 2019-01-30. Review status: criteria provided, single submitter. Criteria: GeneDx Variant Classification Process June 2021. Collection method: clinical testing. Allele origin: germline. Affected: yes.